The following is an entry in ClinVar:

ClinVar aggregate classification (germline): Uncertain significance. Review status: criteria provided, multiple submitters, no conflicts (2 of 4 stars). 2 submissions from 2 submitters: Uncertain significance (2). Last evaluated 2025-12-03.

Conditions:
JAG1-related disorder. Also called: JAG1-related condition; JAG1-related disorders.
Alagille syndrome due to a JAG1 point mutation. Also called: JAG1-Related Alagille Syndrome; Alagille Syndrome 1; HEPATIC DUCTULAR HYPOPLASIA, SYNDROMATIC. Identifiers: Orphanet 261619, Orphanet 52, MedGen C1956125, MONDO:0016862, OMIM 118450.

Submissions (2):

Labcorp Genetics (formerly Invitae), Labcorp
Classification: Uncertain significance for Alagille syndrome due to a JAG1 point mutation. Last evaluated: 2025-12-03. Review status: criteria provided, single submitter. Criteria: Invitae Variant Classification Sherloc (09022015). Collection method: clinical testing. Allele origin: germline.
Comment: This sequence change replaces lysine, which is basic and polar, with glutamic acid, which is acidic and polar, at codon 619 of the JAG1 protein (p.Lys619Glu). This variant is not present in population databases (gnomAD no frequency). This variant has not been reported in the literature in individuals affected with JAG1-related conditions. Invitae Evidence Modeling of protein sequence and biophysical properties (such as structural, functional, and spatial information, amino acid conservation, physicochemical variation, residue mobility, and thermodynamic stability) indicates that this missense variant is not expected to disrupt JAG1 protein function with a negative predictive value of 95%. In summary, the available evidence is currently insufficient to determine the role of this variant in disease. Therefore, it has been classified as a Variant of Uncertain Significance.

PreventionGenetics, part of Exact Sciences
Classification: Uncertain significance for JAG1-related condition. Last evaluated: 2025-10-30. Review status: criteria provided, single submitter. Criteria: ACMG Guidelines, 2015. Collection method: clinical testing. Allele origin: germline.
Comment: The JAG1 c.1855A>G variant is predicted to result in the amino acid substitution p.Lys619Glu. To our knowledge, this variant has not been reported in the literature or in a large population database (gnomAD), indicating this variant is rare. At this time, the clinical significance of this variant is uncertain due to the absence of conclusive functional and genetic evidence.

NM_000214.3(JAG1):c.1855A>G (p.Lys619Glu)

Gene: JAG1 (jagged canonical Notch ligand 1; minus strand). Cytogenetic location: 20p12.2.
Variant type: single nucleotide variant.
Coding change: c.1855A>G on transcript NM_000214.3 (MANE Select); coding-DNA position 1855, A replaced by G.
Protein change: p.Lys619Glu; replaces lysine 619 with glutamic acid.
Molecular consequence: missense variant.
Genome position (GRCh38, 1-based): chr20:10,646,969, T>C on the plus strand (A>G on the coding strand, the complement: JAG1 is on the minus strand). VCF-style: chr20-10646969-T-C. GRCh37 (hg19) VCF-style: chr20-10627617-T-C.
Other names: c.1855A>G (NM_000214.2); short protein forms K619E.
Identifiers: ClinVar variation 4746330 (VCV004746330.2).